The following is an entry in ClinVar:

ClinVar aggregate classification (germline): Benign/Likely benign. Review status: criteria provided, multiple submitters, no conflicts (2 of 4 stars). 5 submissions from 5 submitters: Benign (4); Likely benign (1). Last evaluated 2026-02-02.

Conditions:
Saldino-Mainzer syndrome (SRTD9). Also called: Renal dysplasia, retinal pigmentary dystrophy, cerebellar ataxia and skeletal dysplasia; SHORT-RIB THORACIC DYSPLASIA 9 WITHOUT POLYDACTYLY; CONORENAL SYNDROME; short-rib thoracic dysplasia 9 with or without polydactyly. Identifiers: Orphanet 140969, MedGen C1849437, MONDO:0009964, OMIM 266920.
Retinitis pigmentosa 80 (RP80). Identifiers: MedGen C4540439, MONDO:0054708, OMIM 617781.

Allele frequency attached by ClinVar (database versions not stated): gnomAD exomes 0.00107 and 0.00289; ExAC 0.00349; 1000 Genomes Project 0.01058; gnomAD 0.01167 and 0.01269; 1000 Genomes Project 30x 0.01202; TOPMed 0.01258; ESP Exome Variant Server 0.01362.
gnomAD v4.1: 3,389 of 1,613,932 alleles (0.21%); highest among the groups gnomAD compares: African/African-American, 4.1%; 66 homozygotes.

Submissions (5):

Labcorp Genetics (formerly Invitae), Labcorp
Classification: Benign for Saldino-Mainzer syndrome. Last evaluated: 2026-02-02. Review status: criteria provided, single submitter. Criteria: Invitae Variant Classification Sherloc (09022015). Collection method: clinical testing. Allele origin: germline.

Mayo Clinic Laboratories, Mayo Clinic
Classification: Benign. Last evaluated: 2025-03-04. Review status: criteria provided, single submitter. Criteria: ACMG Guidelines, 2015. Collection method: clinical testing. Allele origin: germline. Observed: 2 variant alleles.
Comment: BS1, BS2

Fulgent Genetics
Classification: Likely benign for Saldino-Mainzer syndrome; Retinitis pigmentosa 80. Last evaluated: 2022-04-22. Review status: criteria provided, single submitter. Criteria: ACMG Guidelines, 2015. Collection method: clinical testing. Allele origin: unknown.

Illumina Laboratory Services, Illumina
Classification: Benign for Saldino-Mainzer syndrome. Last evaluated: 2018-01-13. Review status: criteria provided, single submitter. Criteria: ICSL Variant Classification Criteria 13 December 2019. Collection method: clinical testing. Allele origin: germline.
Comment: This variant was observed in the ICSL laboratory as part of a predisposition screen in an ostensibly healthy population. It had not been previously curated by ICSL or reported in the Human Gene Mutation Database (HGMD: prior to June 1st, 2018), and was therefore a candidate for classification through an automated scoring system. Utilizing variant allele frequency, disease prevalence and penetrance estimates, and inheritance mode, an automated score was calculated to assess if this variant is too frequent to cause the disease. Based on the score and internal cut-off values, a variant classified as benign is not then subjected to further curation. The score for this variant resulted in a classification of benign for this disease.

Breakthrough Genomics
Classification: Benign. Review status: criteria provided, single submitter. Criteria: ACMG Guidelines, 2015. Collection method: not provided. Allele origin: germline. Inheritance: Autosomal recessive inheritance. Affected: yes.

NM_014714.4(IFT140):c.2330T>G (p.Leu777Arg)

Gene: IFT140 (intraflagellar transport 140; minus strand). Cytogenetic location: 16p13.3.
Variant type: single nucleotide variant.
Coding change: c.2330T>G on transcript NM_014714.4 (MANE Select); coding-DNA position 2330, T replaced by G.
Protein change: p.Leu777Arg; replaces leucine 777 with arginine.
Molecular consequence: missense variant.
Genome position (GRCh38, 1-based): chr16:1,558,004, A>C on the plus strand (T>G on the coding strand, the complement: IFT140 is on the minus strand). VCF-style: chr16-1558004-A-C. GRCh37 (hg19) VCF-style: chr16-1608005-A-C.
Other names: p.Leu777Arg; short protein forms L777R.
Identifiers: ClinVar variation 318181 (VCV000318181.17), dbSNP rs34535263, ClinGen allele CA7813936.